The following is an entry in ClinVar:

ClinVar aggregate classification (germline): Uncertain significance (1 of 4 stars; one submission).

Submission:

GeneDx
Classification: Uncertain significance. Last evaluated: 2019-11-08. Review status: criteria provided, single submitter. Criteria: GeneDx Variant Classification Process June 2021. Collection method: clinical testing. Allele origin: germline. Affected: yes.
Comment: Not observed in large population cohorts (Lek 2016); In silico analysis, which includes protein predictors and evolutionary conservation, supports that this variant does not alter protein structure/function; Has not been previously published as pathogenic or benign to our knowledge

NM_000455.5(STK11):c.340G>T (p.Val114Leu)

Gene: STK11 (serine/threonine kinase 11; plus strand). Cytogenetic location: 19p13.3.
Variant type: single nucleotide variant.
Coding change: c.340G>T on transcript NM_000455.5 (MANE Select); coding-DNA position 340, G replaced by T.
Protein change: p.Val114Leu; replaces valine 114 with leucine.
Molecular consequence: missense variant.
Genome position (GRCh38, 1-based): chr19:1,218,466, G>T. VCF-style: chr19-1218466-G-T. GRCh37 (hg19) VCF-style: chr19-1218465-G-T.
Other names: short protein forms V114L.
Identifiers: ClinVar variation 1310289 (VCV001310289.2), dbSNP rs1373476434, ClinGen allele CA402947776.
Genomic context (GRCh38, chr19:1,218,466, plus strand): 5'-CTCTGTCCCAGGGAAATTCAACTACTGAGGAGGTTACGGCACAAAAATGTCATCCAGCTG[G>T]TGGATGTGTTATACAACGAAGAGAAGCAGAAAATATATCCTTTCCGGTGTTGGGACCGCG-3'
Protein context (NP_000446.1, residues 104-124): RLRHKNVIQL[Val114Leu]DVLYNEEKQK